The following is an entry in ClinVar:

NM_006506.5(RASA2):c.386G>A (p.Cys129Tyr)

Gene: RASA2 (RAS p21 protein activator 2; plus strand). Cytogenetic location: 3q23.
Variant type: single nucleotide variant.
Coding change: c.386G>A on transcript NM_006506.5 (MANE Select); coding-DNA position 386, G replaced by A.
Protein change: p.Cys129Tyr; replaces cysteine 129 with tyrosine.
Molecular consequence: missense variant.
Genome position (GRCh38, 1-based): chr3:141,529,738, G>A. VCF-style: chr3-141529738-G-A. GRCh37 (hg19) VCF-style: chr3-141248580-G-A.
Other names: c.386G>A, p.Cys129Tyr (NM_001303245.3, NM_001303246.3); c.386G>A (NM_006506.2); short protein forms C129Y.
Identifiers: ClinVar variation 2183070 (VCV002183070.5), dbSNP rs1027197255, ClinGen allele CA84627223.

ClinVar aggregate classification (germline): Uncertain significance. Review status: criteria provided, multiple submitters, no conflicts (2 of 4 stars). 2 submissions from 2 submitters: Uncertain significance (2). Last evaluated 2025-11-05.

Allele frequency attached by ClinVar (database versions not stated): gnomAD exomes below 0.00001; gnomAD 0.00002.

Submissions (2):

Ambry Genetics
Classification: Uncertain significance. Last evaluated: 2025-11-05. Review status: criteria provided, single submitter. Criteria: Ambry Variant Classification Scheme 2023. Collection method: clinical testing. Allele origin: germline.

Labcorp Genetics (formerly Invitae), Labcorp
Classification: Uncertain significance. Last evaluated: 2022-10-26. Review status: criteria provided, single submitter. Criteria: Invitae Variant Classification Sherloc (09022015). Collection method: clinical testing. Allele origin: germline.
Comment: This variant is present in population databases (no rsID available, gnomAD 0.01%). This sequence change replaces cysteine, which is neutral and slightly polar, with tyrosine, which is neutral and polar, at codon 129 of the RASA2 protein (p.Cys129Tyr). In summary, the available evidence is currently insufficient to determine the role of this variant in disease. Therefore, it has been classified as a Variant of Uncertain Significance. Advanced modeling of protein sequence and biophysical properties (such as structural, functional, and spatial information, amino acid conservation, physicochemical variation, residue mobility, and thermodynamic stability) performed at Invitae indicates that this missense variant is not expected to disrupt RASA2 protein function. This variant has not been reported in the literature in individuals affected with RASA2-related conditions.